The following is an entry in ClinVar:

NM_002474.3(MYH11):c.2156T>C (p.Ile719Thr)

Gene: MYH11 (myosin heavy chain 11; minus strand). Cytogenetic location: 16p13.11.
Variant type: single nucleotide variant.
Coding change: c.2156T>C on transcript NM_002474.3 (MANE Select); coding-DNA position 2156, T replaced by C.
Protein change: p.Ile719Thr; replaces isoleucine 719 with threonine.
Molecular consequence: missense variant.
Genome position (GRCh38, 1-based): chr16:15,748,071, A>G on the plus strand (T>C on the coding strand, the complement: MYH11 is on the minus strand). VCF-style: chr16-15748071-A-G. GRCh37 (hg19) VCF-style: chr16-15841928-A-G.
Other names: c.2177T>C, p.Ile726Thr (NM_001040113.2, NM_001040114.2); c.2156T>C, p.Ile719Thr (NM_022844.3); short protein forms I719T, I726T.
Identifiers: ClinVar variation 3387224 (VCV003387224.2).
Genomic context (GRCh38, chr16:15,748,071, plus strand): 5'-CCCCCTGCCCTACCTGGGCCAGACCTTGGGACTTACCGTTGGCGGAACTCCTGGAAGACG[A>G]TCCGGTTGGGGAAGCCCTGCCGGCAGATGCGAATGCCTTCCAGCACCCCATTGCACCGCA-3'
Protein context (NP_002465.1, residues 709-729): RICRQGFPNR[Ile719Thr]VFQEFRQRYE

ClinVar aggregate classification (germline): Uncertain significance. Review status: criteria provided, multiple submitters, no conflicts (2 of 4 stars). 2 submissions from 2 submitters: Uncertain significance (2). Last evaluated 2024-03-06.

Conditions:
Familial thoracic aortic aneurysm and aortic dissection (TAAD). Also called: Thoracic aortic aneurysms and dissections. Identifiers: Orphanet 91387, MedGen C4707243, MONDO:0019625.

Submissions (2):

Color Diagnostics, LLC DBA Color Health
Classification: Uncertain significance for Familial thoracic aortic aneurysm and aortic dissection. Last evaluated: 2024-03-06. Review status: criteria provided, single submitter. Criteria: ACMG Guidelines, 2015. Collection method: clinical testing. Allele origin: germline.
Comment: This missense variant replaces isoleucine with threonine at codon 726 of the MYH11 protein. Computational prediction tools indicate that this variant has a deleterious impact on protein structure and function. To our knowledge, functional studies have not been reported for this variant. This variant has not been reported in individuals affected with MYH11-related disorders in the literature. This variant has not been identified in the general population by the Genome Aggregation Database (gnomAD). The available evidence is insufficient to determine the role of this variant in disease conclusively. Therefore, this variant is classified as a Variant of Uncertain Significance.

All of Us Research Program, National Institutes of Health
Classification: Uncertain significance for Familial thoracic aortic aneurysm and aortic dissection. Last evaluated: 2024-03-05. Review status: criteria provided, single submitter. Criteria: ACMG Guidelines, 2015. Collection method: clinical testing. Allele origin: germline. Inheritance: Autosomal dominant inheritance. Observed: 1 variant allele, 1 heterozygote.
Comment: This study involves interpretation of variants in research participants for the purpose of population health screening. Participant phenotype was not available at the time of variant classification. Additional details can be found in publication PMID: 35346344, PMCID: PMC8962531